The following is an entry in ClinVar:

ClinVar aggregate classification (germline): Uncertain significance. Review status: criteria provided, single submitter (1 of 4 stars). 2 submissions from 2 submitters: Uncertain significance (1). 1 of the submissions does not count toward it. Last evaluated 2021-08-27.

Conditions:
Familial dysautonomia. Also called: FD; HSAN III. Identifiers: Orphanet 1764, MedGen C0013364, MONDO:0009131, OMIM 223900. Disease mechanism: loss of function.

gnomAD v4.1: 3 of 1,614,078 alleles (0.00019%); highest among the groups gnomAD compares: Non-Finnish European, 0.00025%; no homozygotes.

Submissions (2):

Labcorp Genetics (formerly Invitae), Labcorp
Classification: Uncertain significance. Last evaluated: 2021-08-27. Review status: criteria provided, single submitter. Criteria: Invitae Variant Classification Sherloc (09022015). Collection method: clinical testing. Allele origin: germline.
Comment: This sequence change replaces lysine with glutamic acid at codon 690 of the ELP1 protein (p.Lys690Glu). The lysine residue is moderately conserved and there is a small physicochemical difference between lysine and glutamic acid. This variant is not present in population databases (ExAC no frequency). This variant has not been reported in the literature in individuals affected with ELP1-related conditions. ClinVar contains an entry for this variant (Variation ID: 526184). Algorithms developed to predict the effect of missense changes on protein structure and function are either unavailable or do not agree on the potential impact of this missense change (SIFT: "Tolerated"; PolyPhen-2: "Possibly Damaging"; Align-GVGD: "Class C0"). In summary, the available evidence is currently insufficient to determine the role of this variant in disease. Therefore, it has been classified as a Variant of Uncertain Significance.

Natera, Inc.
Classification: Uncertain significance for Familial dysautonomia. Last evaluated: 2020-09-16. Review status: no assertion criteria provided. Collection method: clinical testing. Allele origin: germline. Not counted in ClinVar's aggregate classification.

NM_003640.5(ELP1):c.2068A>G (p.Lys690Glu)

Gene: ELP1 (elongator acetyltransferase complex subunit 1; minus strand). Cytogenetic location: 9q31.3.
Variant type: single nucleotide variant.
Coding change: c.2068A>G on transcript NM_003640.5 (MANE Select); coding-DNA position 2068, A replaced by G.
Protein change: p.Lys690Glu; replaces lysine 690 with glutamic acid.
Molecular consequence: missense variant.
Genome position (GRCh38, 1-based): chr9:108,900,322, T>C on the plus strand (A>G on the coding strand, the complement: ELP1 is on the minus strand). VCF-style: chr9-108900322-T-C. GRCh37 (hg19) VCF-style: chr9-111662602-T-C.
Other names: c.2068A>G (LRG_251t1); c.1726A>G, p.Lys576Glu (NM_001318360.2); c.1021A>G, p.Lys341Glu (NM_001330749.2); short protein forms K690E, K576E, K341E.
Identifiers: ClinVar variation 526184 (VCV000526184.9), dbSNP rs761858315, ClinGen allele CA374423470.